The following is an entry in ClinVar:

ClinVar aggregate classification (germline): Uncertain significance (1 of 4 stars; one submission).

Conditions:
Atypical hemolytic-uremic syndrome. Identifiers: Orphanet 2134, MedGen C2931788, MONDO:0016244.

Submission:

Genomenon, Inc
Classification: Uncertain significance for Atypical hemolytic-uremic syndrome. Last evaluated: 2025-10-02. Review status: criteria provided, single submitter. Criteria: Genomenon Sequence Variant Interpretation Standards - Updated. Collection method: curation. Allele origin: germline. Affected: yes.
Comment: CFH p.His893Arg (c.2678A>G) is a missense variant that changes the amino acid at residue 893 from Histidine to Arginine. This variant has been observed in at least one proband affected with atypical hemolytic-uremic syndrome (PMID:14978182;20203157). It is absent or not present at a significant frequency in gnomAD. In conclusion, we classify CFH p.His893Arg (c.2678A>G) as a variant of uncertain significance.

Literature cited by the submitters: PubMed 14978182; PubMed 20203157.

NM_000186.4(CFH):c.2678A>G (p.His893Arg)

Gene: CFH (complement factor H; plus strand). Cytogenetic location: 1q31.3.
Variant type: single nucleotide variant.
Coding change: c.2678A>G on transcript NM_000186.4 (MANE Select); coding-DNA position 2678, A replaced by G.
Protein change: p.His893Arg; replaces histidine 893 with arginine.
Molecular consequence: missense variant.
Genome position (GRCh38, 1-based): chr1:196,737,556, A>G. VCF-style: chr1-196737556-A-G. GRCh37 (hg19) VCF-style: chr1-196706686-A-G.
Other names: short protein forms H893R.
Identifiers: ClinVar variation 4291501 (VCV004291501.1).